The following is an entry in ClinVar:

ClinVar aggregate classification (germline): Likely pathogenic (1 of 4 stars; one submission).

Conditions:
Alstrom syndrome (ALMS). Identifiers: Orphanet 64, MedGen C0268425, MONDO:0008763, OMIM 203800.

Submission:

Labcorp Genetics (formerly Invitae), Labcorp
Classification: Likely pathogenic for Alstrom syndrome. Last evaluated: 2023-12-12. Review status: criteria provided, single submitter. Criteria: Invitae Variant Classification Sherloc (09022015). Collection method: clinical testing. Allele origin: unknown.
Comment: This variant results in the deletion of part of exon 12 (c.9785-1270_9861delinsTC) of the ALMS1 gene. It is expected to disrupt RNA splicing. Variants that disrupt the donor or acceptor splice site typically lead to a loss of protein function (PMID: 16199547), and loss-of-function variants in ALMS1 are known to be pathogenic (PMID: 17594715). This variant has not been reported in the literature in individuals affected with ALMS1-related conditions. ClinVar contains an entry for this variant (Variation ID: 855396). In summary, the currently available evidence indicates that the variant is pathogenic, but additional data are needed to prove that conclusively. Therefore, this variant has been classified as Likely Pathogenic.

Literature cited by the submitters: PubMed 16199547; PubMed 17594715.

NC_000002.11:g.(?_73760681)_(73762027_?)del

Gene: ALMS1 (ALMS1 centrosome and basal body associated protein; plus strand). Cytogenetic location: 2p13.1.
Variant type: Deletion.
Identifiers: ClinVar variation 3247162 (VCV003247162.1).